The following is an entry in ClinVar:

ClinVar aggregate classification (germline): Pathogenic (1 of 4 stars; one submission).

Conditions:
Marfan syndrome (MFS). Also called: Marfan syndrome type 1; Marfan's syndrome; FBN1-Related Marfan Syndrome; MARFAN SYNDROME, TYPE I; Marfan syndrome, classic. Identifiers: Orphanet 284963, Orphanet 558, MedGen C0024796, MONDO:0007947, OMIM 154700.

Submission:

Centre of Medical Genetics, University of Antwerp
Classification: Pathogenic for Marfan syndrome. Last evaluated: 2021-03-01. Review status: criteria provided, single submitter. Criteria: Submitter's publication. Collection method: research. Allele origin: unknown. Affected: yes.
Comment: PM2, PVS1, PP4

NM_000138.5(FBN1):c.8554_8561delinsTATCAC (p.Asp2852fs)

Gene: FBN1 (fibrillin 1; minus strand). Cytogenetic location: 15q21.1.
Variant type: Indel.
Coding change: c.8554_8561delinsTATCAC on transcript NM_000138.5 (MANE Select); coding-DNA positions 8554 to 8561, GACTACCT replaced by TATCAC.
Protein change: p.Asp2852fs; shifts the reading frame from aspartic acid 2852.
Molecular consequence: frameshift variant.
Genome position (GRCh38, 1-based): chr15:48,411,045-48,411,052, AGGTAGTC replaced by GTGATA on the plus strand (GACTACCT replaced by TATCAC on the coding strand, the reverse complement: FBN1 is on the minus strand). VCF-style: chr15-48411045-AGGTAGTC-GTGATA. GRCh37 (hg19) VCF-style: chr15-48703242-AGGTAGTC-GTGATA.
Other names: c.8554_8561delGACTACCTinsTATCAC, p.Asp2852Tyrfs (NM_000138.4); c.8554_8561delinsTATCAC, p.Asp2852fs (NM_001406716.1); short protein forms D2852fs.
Identifiers: ClinVar variation 1325458 (VCV001325458.2), dbSNP rs2141209520, ClinGen allele CA2573150910.